The following is an entry in ClinVar:

ClinVar aggregate classification (germline): Uncertain significance (1 of 4 stars; one submission).

Conditions:
Hereditary cancer-predisposing syndrome. Also called: Tumor predisposition; Neoplastic Syndromes, Hereditary; Hereditary Cancer Syndrome; Hereditary neoplastic syndrome. Identifiers: Orphanet 140162, MedGen C0027672, MeSH D009386, MONDO:0015356.

Submission:

Ambry Genetics
Classification: Uncertain significance for Hereditary cancer-predisposing syndrome. Last evaluated: 2024-07-14. Review status: criteria provided, single submitter. Criteria: Ambry Variant Classification Scheme 2023. Collection method: clinical testing. Allele origin: germline.
Comment: The p.E553D variant (also known as c.1659G>T), located in coding exon 14 of the FANCC gene, results from a G to T substitution at nucleotide position 1659. The glutamic acid at codon 553 is replaced by aspartic acid, an amino acid with highly similar properties. This amino acid position is conserved. In addition, this alteration is predicted to be tolerated by in silico analysis. Based on the available evidence, the clinical significance of this variant remains unclear.

NM_000136.3(FANCC):c.1659G>T (p.Glu553Asp)

Genes: AOPEP (aminopeptidase O (putative); plus strand), FANCC (FA complementation group C; minus strand). Cytogenetic location: 9q22.32.
Variant type: single nucleotide variant.
Coding change: c.1659G>T on transcript NM_000136.3 (MANE Select); coding-DNA position 1659, G replaced by T.
Protein change: p.Glu553Asp; replaces glutamic acid 553 with aspartic acid.
Molecular consequence: missense variant.
Genome position (GRCh38, 1-based): chr9:95,101,725, C>A on the plus strand (G>T on the coding strand, the complement: FANCC is on the minus strand). VCF-style: chr9-95101725-C-A. GRCh37 (hg19) VCF-style: chr9-97864007-C-A.
Other names: c.1659G>T, p.Glu553Asp (NM_001243743.2); short protein forms E553D.
Identifiers: ClinVar variation 3512766 (VCV003512766.1).